The following is an entry in ClinVar:

NM_019842.4(KCNQ5):c.37G>A (p.Ala13Thr)

Genes: KCNQ5 (potassium voltage-gated channel subfamily Q member 5; plus strand), KCNQ5-DT (KCNQ5 divergent transcript; minus strand), LOC129996711 (ATAC-STARR-seq lymphoblastoid silent region 17329; plus strand). Cytogenetic location: 6q13.
Variant type: single nucleotide variant.
Coding change: c.37G>A on transcript NM_019842.4 (MANE Select); coding-DNA position 37, G replaced by A.
Protein change: p.Ala13Thr; replaces alanine 13 with threonine.
Molecular consequence: missense variant.
Genome position (GRCh38, 1-based): chr6:72,622,226, G>A. VCF-style: chr6-72622226-G-A. GRCh37 (hg19) VCF-style: chr6-73331954-G-A.
Other names: c.37G>A, p.Ala13Thr (NM_001160130.2, NM_001160132.2, NM_001160133.2 and 1 more transcripts); short protein forms A13T.
Identifiers: ClinVar variation 1915031 (VCV001915031.6), dbSNP rs933885701, ClinGen allele CA141452102.

ClinVar aggregate classification (germline): Conflicting classifications of pathogenicity. Review status: criteria provided, conflicting classifications (1 of 4 stars). 2 submissions from 2 submitters: Uncertain significance (1); Benign (1). Last evaluated 2025-04-16.

Allele frequency attached by ClinVar (database versions not stated): gnomAD 0.00001; TOPMed 0.00003; gnomAD exomes 0.00006.
gnomAD v4.1: 64 of 1,234,360 alleles (0.0052%); highest among the groups gnomAD compares: Non-Finnish European, 0.0062%; no homozygotes.

Submissions (2):

Labcorp Genetics (formerly Invitae), Labcorp
Classification: Benign. Last evaluated: 2025-04-16. Review status: criteria provided, single submitter. Criteria: Invitae Variant Classification Sherloc (09022015). Collection method: clinical testing. Allele origin: germline.

Women's Health and Genetics/Laboratory Corporation of America, LabCorp
Classification: Uncertain significance. Last evaluated: 2024-09-16. Review status: criteria provided, single submitter. Criteria: LabCorp Variant Classification Summary - May 2015. Collection method: clinical testing. Allele origin: germline.
Comment: Variant summary: KCNQ5 c.37G>A (p.Ala13Thr) results in a non-conservative amino acid change in the encoded protein sequence. Three of five in-silico tools predict a benign effect of the variant on protein function. The variant allele was found at a frequency of 5.2e-05 in 1234360 control chromosomes (gnomAD database v4), allowing no conclusion about variant significance. To our knowledge, no occurrence of c.37G>A in individuals affected with Intellectual Disability, Autosomal Dominant 46 and no experimental evidence demonstrating its impact on protein function have been reported. ClinVar contains an entry for this variant (Variation ID: 1915031). Based on the evidence outlined above, the variant was classified as uncertain significance.